The following is an entry in ClinVar:

ClinVar aggregate classification (germline): Uncertain significance (1 of 4 stars; one submission).

Conditions:
Mitochondrial DNA depletion syndrome, encephalomyopathic form with methylmalonic aciduria (MTDPS5). Also called: MITOCHONDRIAL DNA DEPLETION SYNDROME, ENCEPHALOMYOPATHIC FORM, WITH OR WITHOUT METHYLMALONIC ACIDURIA, AUTOSOMAL RECESSIVE, SUCLA2-RELATED; Mitochondrial DNA depletion syndrome 5 (encephalomyopathic with or without methylmalonic aciduria); SUCLA2-Related Mitochondrial DNA Depletion Syndrome, Encephalomyopathic Form with Methylmalonic Aciduria; Mitochondrial encephalomyopathy aminoacidopathy. Identifiers: Orphanet 1933, MedGen C5980207, MONDO:0012791, OMIM 612073.

Allele frequency attached by ClinVar (database versions not stated): gnomAD exomes 0.00001 and 0.00002; ExAC 0.00002; gnomAD 0.00003 and 0.00004; TOPMed 0.00006.
gnomAD v4.1: 14 of 1,613,184 alleles (0.00087%); highest among the groups gnomAD compares: African/African-American, 0.019%; no homozygotes.

Submission:

Labcorp Genetics (formerly Invitae), Labcorp
Classification: Uncertain significance for Mitochondrial DNA depletion syndrome, encephalomyopathic form with methylmalonic aciduria. Last evaluated: 2022-10-12. Review status: criteria provided, single submitter. Criteria: Invitae Variant Classification Sherloc (09022015). Collection method: clinical testing. Allele origin: germline.
Comment: This sequence change replaces isoleucine, which is neutral and non-polar, with threonine, which is neutral and polar, at codon 214 of the SUCLA2 protein (p.Ile214Thr). This variant is present in population databases (rs755007042, gnomAD 0.03%). This variant has not been reported in the literature in individuals affected with SUCLA2-related conditions. ClinVar contains an entry for this variant (Variation ID: 1387170). Advanced modeling of protein sequence and biophysical properties (such as structural, functional, and spatial information, amino acid conservation, physicochemical variation, residue mobility, and thermodynamic stability) performed at Invitae indicates that this missense variant is not expected to disrupt SUCLA2 protein function. In summary, the available evidence is currently insufficient to determine the role of this variant in disease. Therefore, it has been classified as a Variant of Uncertain Significance.

NM_003850.3(SUCLA2):c.641T>C (p.Ile214Thr)

Gene: SUCLA2 (succinate-CoA ligase ADP-forming subunit beta; minus strand). Cytogenetic location: 13q14.2.
Variant type: single nucleotide variant.
Coding change: c.641T>C on transcript NM_003850.3 (MANE Select); coding-DNA position 641, T replaced by C.
Protein change: p.Ile214Thr; replaces isoleucine 214 with threonine.
Molecular consequence: missense variant.
Genome position (GRCh38, 1-based): chr13:47,973,286, A>G on the plus strand (T>C on the coding strand, the complement: SUCLA2 is on the minus strand). VCF-style: chr13-47973286-A-G. GRCh37 (hg19) VCF-style: chr13-48547421-A-G.
Other names: short protein forms I214T.
Identifiers: ClinVar variation 1387170 (VCV001387170.5), dbSNP rs755007042, ClinGen allele CA6977957.